The following is an entry in ClinVar:

ClinVar aggregate classification (germline): Uncertain significance (1 of 4 stars; one submission).

Conditions:
Hereditary cancer-predisposing syndrome. Also called: Neoplastic Syndromes, Hereditary; Tumor predisposition; Hereditary Cancer Syndrome; Hereditary neoplastic syndrome. Identifiers: Orphanet 140162, MedGen C0027672, MeSH D009386, MONDO:0015356.

gnomAD v4.1: 1 of 1,612,516 alleles (0.000062%); highest among the groups gnomAD compares: Non-Finnish European, 0.000085%; no homozygotes.

Submission:

Ambry Genetics
Classification: Uncertain significance for Hereditary cancer-predisposing syndrome. Last evaluated: 2025-09-22. Review status: criteria provided, single submitter. Criteria: Ambry Variant Classification Scheme 2023. Collection method: clinical testing. Allele origin: germline.
Comment: The p.K429E variant (also known as c.1285A>G), located in coding exon 12 of the NF2 gene, results from an A to G substitution at nucleotide position 1285. The lysine at codon 429 is replaced by glutamic acid, an amino acid with similar properties. This amino acid position is conserved. In addition, the in silico prediction for this alteration is inconclusive. Based on the available evidence, the clinical significance of this variant remains unclear.

NM_000268.4(NF2):c.1285A>G (p.Lys429Glu)

Gene: NF2 (NF2, moesin-ezrin-radixin like (MERLIN) tumor suppressor; plus strand). Cytogenetic location: 22q12.2.
Variant type: single nucleotide variant.
Coding change: c.1285A>G on transcript NM_000268.4 (MANE Select); coding-DNA position 1285, A replaced by G.
Protein change: p.Lys429Glu; replaces lysine 429 with glutamic acid.
Molecular consequence: missense variant. On other transcripts: intron variant (1).
Genome position (GRCh38, 1-based): chr22:29,673,431, A>G. VCF-style: chr22-29673431-A-G. GRCh37 (hg19) VCF-style: chr22-30069420-A-G.
Other names: c.1171A>G, p.Lys391Glu (NM_001407053.1, NM_001407056.1); c.1162A>G, p.Lys388Glu (NM_001407054.1, NM_001407058.1, NM_181829.3); c.1159A>G, p.Lys387Glu (NM_001407055.1, NM_181828.3); c.1150A>G, p.Lys384Glu (NM_001407057.1, NM_001407059.1); c.1285A>G, p.Lys429Glu (NM_001407060.1, NM_001407066.1, NM_016418.5 and 2 more transcripts); c.1027A>G, p.Lys343Glu (NM_001407062.1); c.1036A>G, p.Lys346Glu (NM_001407063.1, NM_001407064.1, NM_181830.3 and 1 more transcripts); c.751A>G, p.Lys251Glu (NM_001407065.1); and 2 more; short protein forms K343E, K387E, K391E, K346E, K352E, K388E, K429E, K251E.
Identifiers: ClinVar variation 4661288 (VCV004661288.1).